The following is an entry in ClinVar:

NM_001035.3(RYR2):c.638G>T (p.Ser213Ile)

Gene: RYR2 (ryanodine receptor 2; plus strand). Cytogenetic location: 1q43.
Variant type: single nucleotide variant.
Coding change: c.638G>T on transcript NM_001035.3 (MANE Select); coding-DNA position 638, G replaced by T.
Protein change: p.Ser213Ile; replaces serine 213 with isoleucine.
Molecular consequence: missense variant.
Genome position (GRCh38, 1-based): chr1:237,387,342, G>T. VCF-style: chr1-237387342-G-T. GRCh37 (hg19) VCF-style: chr1-237550642-G-T.
Other names: short protein forms S213I.
Identifiers: ClinVar variation 3385653 (VCV003385653.3).

ClinVar aggregate classification (germline): Uncertain significance. Review status: criteria provided, multiple submitters, no conflicts (2 of 4 stars). 3 submissions from 3 submitters: Uncertain significance (3). Last evaluated 2025-10-20.

Conditions:
Catecholaminergic polymorphic ventricular tachycardia (CVPT). Also called: Catecholamine-induced polymorphic ventricular tachycardia. Identifiers: Orphanet 3286, MedGen C5574922, MONDO:0017990.
Catecholaminergic polymorphic ventricular tachycardia 1. Also called: VENTRICULAR TACHYCARDIA, CATECHOLAMINERGIC POLYMORPHIC, 1, WITH OR WITHOUT ATRIAL DYSFUNCTION AND/OR DILATED CARDIOMYOPATHY; VENTRICULAR TACHYCARDIA, STRESS-INDUCED POLYMORPHIC 1; RYR2-Related Catecholaminergic Polymorphic Ventricular Tachycardia. Identifiers: Orphanet 3286, MedGen C1631597, MONDO:0011484, OMIM 604772.
Cardiomyopathy (CMYO). Also called: Cardiomyopathies. Identifiers: Orphanet 167848, MedGen C0878544, MONDO:0004994, HP:0001638. Inheritance: Various modes of inheritance.

gnomAD v4.1: 2 of 1,614,010 alleles (0.00012%); highest among the groups gnomAD compares: Non-Finnish European, 0.000085%; no homozygotes.

Submissions (3):

Color Diagnostics, LLC DBA Color Health
Classification: Uncertain significance for Cardiomyopathy. Last evaluated: 2025-10-20. Review status: criteria provided, single submitter. Criteria: ACMG Guidelines, 2015. Collection method: clinical testing. Allele origin: germline.
Comment: This missense variant replaces serine with isoleucine at codon 213 of the RYR2 protein. Computational prediction suggests that this variant may have deleterious impact on protein structure and function. To our knowledge, functional studies have not been reported for this variant. This variant has not been reported in individuals affected with RYR2-related disorders in the literature. This variant has been identified in 2/1461690 chromosomes in the general population by the Genome Aggregation Database (gnomAD). The available evidence is insufficient to determine the role of this variant in disease conclusively. Therefore, this variant is classified as a Variant of Uncertain Significance.

Labcorp Genetics (formerly Invitae), Labcorp
Classification: Uncertain significance for Catecholaminergic polymorphic ventricular tachycardia 1. Last evaluated: 2025-08-20. Review status: criteria provided, single submitter. Criteria: Invitae Variant Classification Sherloc (09022015). Collection method: clinical testing. Allele origin: germline.
Comment: This sequence change replaces serine, which is neutral and polar, with isoleucine, which is neutral and non-polar, at codon 213 of the RYR2 protein (p.Ser213Ile). This variant is not present in population databases (gnomAD no frequency). This variant has not been reported in the literature in individuals affected with RYR2-related conditions. ClinVar contains an entry for this variant (Variation ID: 3385653). Invitae Evidence Modeling of protein sequence and biophysical properties (such as structural, functional, and spatial information, amino acid conservation, physicochemical variation, residue mobility, and thermodynamic stability) has been performed for this missense variant. However, the output from this modeling did not meet the statistical confidence thresholds required to predict the impact of this variant on RYR2 protein function. In summary, the available evidence is currently insufficient to determine the role of this variant in disease. Therefore, it has been classified as a Variant of Uncertain Significance.

All of Us Research Program, National Institutes of Health
Classification: Uncertain significance for Catecholaminergic polymorphic ventricular tachycardia. Last evaluated: 2024-09-23. Review status: criteria provided, single submitter. Criteria: ACMG Guidelines, 2015. Collection method: clinical testing. Allele origin: germline. Inheritance: Autosomal dominant inheritance. Observed: 1 variant allele, 1 heterozygote.
Comment: This study involves interpretation of variants in research participants for the purpose of population health screening. Participant phenotype was not available at the time of variant classification. Additional details can be found in publication PMID: 35346344, PMCID: PMC8962531